The following is an entry in ClinVar:

NM_001353694.2(TIAM1):c.3197A>G (p.Tyr1066Cys)

Gene: TIAM1 (TIAM Rac1 associated GEF 1; minus strand). Cytogenetic location: 21q22.11.
Variant type: single nucleotide variant.
Coding change: c.3197A>G on transcript NM_001353694.2 (MANE Select); coding-DNA position 3197, A replaced by G.
Protein change: p.Tyr1066Cys; replaces tyrosine 1066 with cysteine.
Molecular consequence: missense variant.
Genome position (GRCh38, 1-based): chr21:31,153,109, T>C on the plus strand (A>G on the coding strand, the complement: TIAM1 is on the minus strand). VCF-style: chr21-31153109-T-C. GRCh37 (hg19) VCF-style: chr21-32525427-T-C.
Other names: c.296A>G, p.Tyr99Cys (NM_001353684.2); c.221A>G, p.Tyr74Cys (NM_001353685.2); c.3122A>G, p.Tyr1041Cys (NM_001353686.2, NM_001353687.2); c.3197A>G, p.Tyr1066Cys (NM_001353688.1, NM_001353689.1, NM_001353690.1 and 4 more transcripts); short protein forms Y1041C, Y1066C, Y74C, Y99C.
Identifiers: ClinVar variation 5037452 (VCV005037452.1).

ClinVar aggregate classification (germline): Uncertain significance (1 of 4 stars; one submission).

gnomAD v4.1: 4 of 1,613,300 alleles (0.00025%); highest among the groups gnomAD compares: Non-Finnish European, 0.00034%; no homozygotes.

Submission:

GeneDx
Classification: Uncertain significance. Last evaluated: 2026-04-20. Review status: criteria provided, single submitter. Criteria: GeneDx Variant Classification Process June 2021. Collection method: clinical testing. Allele origin: germline.
Comment: Not observed at significant frequency in large population cohorts (gnomAD); In silico analysis supports that this missense variant has a deleterious effect on protein structure/function; Has not been previously published as pathogenic or benign to our knowledge